The following is an entry in ClinVar:

ClinVar aggregate classification (germline): Uncertain significance (1 of 4 stars; one submission).

Allele frequency attached by ClinVar (database versions not stated): ExAC 0.00001.
gnomAD v4.1: 12 of 1,610,186 alleles (0.00075%); highest among the groups gnomAD compares: Middle Eastern, 0.033%; no homozygotes.

Submission:

CeGaT Center for Human Genetics Tuebingen
Classification: Uncertain significance. Last evaluated: 2024-02-01. Review status: criteria provided, single submitter. Criteria: CeGaT Center For Human Genetics Tuebingen Variant Classification Criteria Version 2. Collection method: clinical testing. Allele origin: germline. Affected: yes. Observed: 1 variant allele.
Comment: SPATA22: PM2, BP4

NM_001170698.2(SPATA22):c.233+8G>A

Gene: SPATA22 (spermatogenesis associated 22; minus strand). Cytogenetic location: 17p13.2.
Variant type: single nucleotide variant.
Coding change: c.233+8G>A on transcript NM_001170698.2 (MANE Select); 8 bases into the intron after coding-DNA position 233, G replaced by A.
Molecular consequence: intron variant.
Genome position (GRCh38, 1-based): chr17:3,462,699, C>T on the plus strand (G>A on the coding strand, the complement: SPATA22 is on the minus strand). VCF-style: chr17-3462699-C-T. GRCh37 (hg19) VCF-style: chr17-3365993-C-T.
Other names: c.185+8G>A (NM_001321336.2); c.233+8G>A (NM_001321337.2, NM_001170695.2, NM_001170697.2 and 2 more transcripts); c.104+8G>A (NM_001170696.2).
Identifiers: ClinVar variation 3024999 (VCV003024999.22), dbSNP rs764164681, ClinGen allele CA8288745.